The following is an entry in ClinVar:

ClinVar aggregate classification (germline): Uncertain significance (1 of 4 stars; one submission).

Submission:

Labcorp Genetics (formerly Invitae), Labcorp
Classification: Uncertain significance. Last evaluated: 2022-10-26. Review status: criteria provided, single submitter. Criteria: Invitae Variant Classification Sherloc (09022015). Collection method: clinical testing. Allele origin: germline.
Comment: This variant results in a copy number gain of the genomic region encompassing exon(s) 2-15 of the SPPL2A gene. This region includes the termination codon of the gene. This copy number gain extends beyond the assayed region for this gene and therefore may encompass additional genes. As the precise location of this event is unknown, it may be in tandem or it may be located elsewhere in the genome. This variant has not been reported in the literature in individuals affected with SPPL2A-related conditions. In summary, the available evidence is currently insufficient to determine the role of this variant in disease. Therefore, it has been classified as a Variant of Uncertain Significance.

NC_000015.9:g.(?_50999997)_(51041963_?)dup

Gene: SPPL2A (signal peptide peptidase like 2A; minus strand). Cytogenetic location: 15q21.2.
Variant type: Duplication.
Identifiers: ClinVar variation 2427071 (VCV002427071.1).